The following is an entry in ClinVar:

NM_018263.6(ASXL2):c.3658_3659del (p.Leu1220fs)

Gene: ASXL2 (ASXL transcriptional regulator 2; minus strand). Cytogenetic location: 2p23.3.
Variant type: Microsatellite.
Coding change: c.3658_3659del on transcript NM_018263.6 (MANE Select); coding-DNA positions 3658 to 3659, 2 bases deleted (CT; older notation c.3658_3659delCT).
Protein change: p.Leu1220fs; shifts the reading frame from leucine 1220.
Molecular consequence: frameshift variant.
Genome position (GRCh38, 1-based): chr2:25,742,678-25,742,679, AG deleted on the plus strand (CT on the coding strand, the reverse complement: ASXL2 is on the minus strand); deleting any 2 consecutive bases within chr2:25,742,678-25,742,681 gives the same sequence; the c. name uses the placement nearest the transcript's 3' end. VCF-style (leftmost placement, unchanged base first): chr2-25742677-TAG-T. GRCh37 (hg19) VCF-style: chr2-25965546-TAG-T.
Other names: c.3484_3485del, p.Leu1162fs (NM_001369346.1); c.2878_2879del, p.Leu960fs (NM_001369347.1); short protein forms L1162fs, L1220fs, L960fs.
Identifiers: ClinVar variation 4527015 (VCV004527015.1).

ClinVar aggregate classification (germline): Pathogenic (1 of 4 stars; one submission).

Submission:

GeneDx
Classification: Pathogenic. Last evaluated: 2025-04-29. Review status: criteria provided, single submitter. Criteria: GeneDx Variant Classification Process June 2021. Collection method: clinical testing. Allele origin: germline. Affected: yes.
Comment: De novo variant in a patient from the SPARK autism study in published literature; however, detailed clinical information was not provided (PMID: 35982160); Frameshift variant predicted to result in protein truncation, as the last 216 amino acids are replaced with 3 different amino acids, and other loss-of-function variants have been reported downstream in HGMD; Not observed at significant frequency in large population cohorts (gnomAD); This variant is associated with the following publications: (PMID: 33057194, 35982159, 35982160)